The following is an entry in ClinVar:

ClinVar aggregate classification (germline): Pathogenic (1 of 4 stars; one submission).

Conditions:
Spinocerebellar ataxia, autosomal recessive, with axonal neuropathy 2 (SCAN2). Also called: Ataxia-ocular apraxia-2; Ataxia with Oculomotor Apraxia; Ataxia with Oculomotor Apraxia Type 2; ATAXIA-OCULOMOTOR APRAXIA 2. Identifiers: Orphanet 64753, MedGen C1853761, MONDO:0018996, OMIM 606002.

Allele frequency attached by ClinVar (database versions not stated): gnomAD exomes below 0.00001.
gnomAD v4.1: 1 of 1,613,994 alleles (0.000062%); highest among the groups gnomAD compares: African/African-American, 0.0013%; no homozygotes.

Submission:

Diagnostics Services (NGS), CSIR - Centre For Cellular And Molecular Biology
Classification: Pathogenic for Spinocerebellar ataxia, autosomal recessive, with axonal neuropathy 2. Last evaluated: 2020-01-16. Review status: criteria provided, single submitter. Criteria: ACMG Guidelines, 2015. Collection method: clinical testing. Allele origin: germline. Inheritance: Autosomal recessive inheritance. Affected: yes. Observed: 1 homozygote.
Comment: The c.719G>A variant is not present in publicly available databases like 1000 Genomes, Exome Variant Server (EVS), Exome Aggregation Consortium (ExAC), Genome Aggregation Database (gnomAD) and dbSNP. The variant is also not present in our in-house exome database. The variant was not reported earlier to ClinVar, OMIM and Human Genome Mutation databases in any other affected individuals. In-silico pathogenicity prediction programs like SIFT, Polyphen2, MutationTaster2, CADD etc. predicted this variant to be likely deleterious. The variant occurs in the early exonic positions (first nucleotide of exon 7) and may affect the splicing as also predicted by online program Human Splicing Finder version 3.1 (HSF3.1). Hence the variant has been classified as 'pathogenic'.

NM_015046.7(SETX):c.719G>A (p.Gly240Asp)

Gene: SETX (senataxin; minus strand). Cytogenetic location: 9q34.13.
Variant type: single nucleotide variant.
Coding change: c.719G>A on transcript NM_015046.7 (MANE Select); coding-DNA position 719, G replaced by A.
Protein change: p.Gly240Asp; replaces glycine 240 with aspartic acid.
Molecular consequence: missense variant.
Genome position (GRCh38, 1-based): chr9:132,334,727, C>T on the plus strand (G>A on the coding strand, the complement: SETX is on the minus strand). VCF-style: chr9-132334727-C-T. GRCh37 (hg19) VCF-style: chr9-135210114-C-T.
Other names: c.719G>A, p.Gly240Asp (NM_001351527.2, NM_001351528.2); short protein forms G240D.
Identifiers: ClinVar variation 812548 (VCV000812548.5), dbSNP rs1589757407, ClinGen allele CA375348869.